The following is an entry in ClinVar:

ClinVar aggregate classification (germline): Uncertain significance (1 of 4 stars; one submission).

gnomAD v4.1: 4 of 1,611,408 alleles (0.00025%); highest among the groups gnomAD compares: Non-Finnish European, 0.00034%; no homozygotes.

Submission:

GeneDx
Classification: Uncertain significance. Last evaluated: 2024-09-25. Review status: criteria provided, single submitter. Criteria: GeneDx Variant Classification Process June 2021. Collection method: clinical testing. Allele origin: germline. Affected: yes.
Comment: Not observed at significant frequency in large population cohorts (gnomAD); In silico analysis supports that this missense variant has a deleterious effect on protein structure/function; Has not been previously published as pathogenic or benign to our knowledge

NM_006258.4(PRKG1):c.764C>T (p.Thr255Ile)

Gene: PRKG1 (protein kinase cGMP-dependent 1; plus strand). Cytogenetic location: 10q21.1.
Variant type: single nucleotide variant.
Coding change: c.764C>T on transcript NM_006258.4 (MANE Select); coding-DNA position 764, C replaced by T.
Protein change: p.Thr255Ile; replaces threonine 255 with isoleucine.
Molecular consequence: missense variant. On other transcripts: 5 prime UTR variant (1).
Genome position (GRCh38, 1-based): chr10:52,054,485, C>T. VCF-style: chr10-52054485-C-T. GRCh37 (hg19) VCF-style: chr10-53814245-C-T.
Other names: c.719C>T, p.Thr240Ile (NM_001098512.3); c.-446C>T (NM_001374781.1); c.764C>T, p.Thr255Ile (NM_001374782.1); short protein forms T240I, T255I.
Identifiers: ClinVar variation 3774804 (VCV003774804.1).